The following is an entry in ClinVar:

ClinVar aggregate classification (germline): Pathogenic. Review status: criteria provided, single submitter (1 of 4 stars). 2 submissions from 2 submitters: Pathogenic (1). 1 of the submissions does not count toward it. Last evaluated 2014-06-30.

Conditions:
3-methylglutaconic aciduria type 1 (MGCA1). Identifiers: Orphanet 67046, MedGen C0342727, MONDO:0009610, OMIM 250950.

Allele frequency attached by ClinVar (database versions not stated): gnomAD exomes below 0.00001.
gnomAD v4.1: 16 of 1,613,940 alleles (0.00099%); highest among the groups gnomAD compares: Non-Finnish European, 0.0014%; no homozygotes.

Submissions (2):

GeneDx
Classification: Pathogenic. Last evaluated: 2014-06-30. Review status: criteria provided, single submitter. Criteria: GeneDx Variant Classification (06012015). Collection method: clinical testing. Allele origin: germline. Affected: yes.
Comment: p.Gly187Ser (GGT>AGT): c.559 G>A in exon 5 of the AUH gene (NM_001698.2)The G187S missense mutation in the AUH gene has been reported previously in association with 3-methylglutaconic aciduria type 1 who was compound heterozygous for G187S and another mutation in the AUH gene (Wortmann et al., 2010). G187S is a non-conservative amino acid substitution, which is likely to impact secondary protein structure as these residues differ in polarity, charge, size and/or other properties. This substitution occurs at a position that is highly conserved across species. Therefore, we interpret G187S to be a pathogenic mutation. The variant is found in MITONUC-MITOP panel(s).

OMIM
Classification: Pathogenic for 3-METHYLGLUTACONIC ACIDURIA, TYPE I. Last evaluated: 2010-09-21. Review status: no assertion criteria provided. Collection method: literature only. Allele origin: germline. Not counted in ClinVar's aggregate classification.

Literature cited by the submitters: PubMed 20855850 (cited by OMIM).

NM_001698.3(AUH):c.559G>A (p.Gly187Ser)

Gene: AUH (AU RNA binding methylglutaconyl-CoA hydratase; minus strand). Cytogenetic location: 9q22.31.
Variant type: single nucleotide variant.
Coding change: c.559G>A on transcript NM_001698.3 (MANE Select); coding-DNA position 559, G replaced by A.
Protein change: p.Gly187Ser; replaces glycine 187 with serine.
Molecular consequence: missense variant.
Genome position (GRCh38, 1-based): chr9:91,298,023, C>T on the plus strand (G>A on the coding strand, the complement: AUH is on the minus strand). VCF-style: chr9-91298023-C-T. GRCh37 (hg19) VCF-style: chr9-94060305-C-T.
Other names: p.G187S:GGT>AGT; c.472G>A, p.Gly158Ser (NM_001306190.2); c.232G>A, p.Gly78Ser (NM_001351431.2, NM_001351432.2, NM_001351433.2); short protein forms G187S, G158S, G78S.
Identifiers: ClinVar variation 30079 (VCV000030079.2), dbSNP rs387906755, ClinGen allele CA128913.
Genomic context (GRCh38, chr9:91,298,023, plus strand): 5'-TTTAACAGGATTAATTCTTACCTGCTACTCGTATATCACAGGCTAAAGCCAGTTCAAGAC[C>T]ACCACCTAAAGCGAGTCCATCTATTGCTGCAATTGTTGGTACTGGAAGATTAGCTGAAAT-3'
Protein context (NP_001689.1, residues 177-197): AAIDGLALGG[Gly187Ser]LELALACDIR